The following is an entry in ClinVar:

NM_000051.4(ATM):c.7718C>G (p.Thr2573Ser)

Genes: C11orf65 (chromosome 11 open reading frame 65; minus strand), ATM (ATM serine/threonine kinase; plus strand). Cytogenetic location: 11q22.3.
Variant type: single nucleotide variant.
Coding change: c.7718C>G on transcript NM_000051.4 (MANE Select); coding-DNA position 7718, C replaced by G.
Protein change: p.Thr2573Ser; replaces threonine 2573 with serine.
Molecular consequence: missense variant. On other transcripts: intron variant (2).
Genome position (GRCh38, 1-based): chr11:108,331,967, C>G. VCF-style: chr11-108331967-C-G. GRCh37 (hg19) VCF-style: chr11-108202694-C-G.
Other names: c.7718C>G, p.Thr2573Ser (NM_001351834.2); c.641-22896G>C (NM_001330368.2); c.*38+3253G>C (NM_001351110.2); short protein forms T2573S.
Identifiers: ClinVar variation 629964 (VCV000629964.6), dbSNP rs1565534068, ClinGen allele CA382561077.

ClinVar aggregate classification (germline): Uncertain significance (1 of 4 stars; one submission).

Conditions:
Hereditary cancer-predisposing syndrome. Also called: Tumor predisposition; Hereditary neoplastic syndrome; Neoplastic Syndromes, Hereditary; Hereditary Cancer Syndrome. Identifiers: Orphanet 140162, MedGen C0027672, MeSH D009386, MONDO:0015356.

Allele frequency attached by ClinVar (database versions not stated): gnomAD exomes below 0.00001.
gnomAD v4.1: 1 of 1,614,036 alleles (0.000062%); highest among the groups gnomAD compares: Admixed American, 0.0017%; no homozygotes.

Submission:

Color Diagnostics, LLC DBA Color Health
Classification: Uncertain significance for Hereditary cancer-predisposing syndrome. Last evaluated: 2023-12-05. Review status: criteria provided, single submitter. Criteria: ACMG Guidelines, 2015. Collection method: clinical testing. Allele origin: germline.
Comment: This missense variant replaces threonine with serine at codon 2573 of the ATM protein. Computational prediction suggests that this variant may not impact protein structure and function (internally defined REVEL score threshold <= 0.5, PMID: 27666373). To our knowledge, functional studies have not been reported for this variant. This variant has not been reported in individuals affected with ATM-related disorders in the literature. This variant has not been identified in the general population by the Genome Aggregation Database (gnomAD). The available evidence is insufficient to determine the role of this variant in disease conclusively. Therefore, this variant is classified as a Variant of Uncertain Significance.